The following is an entry in ClinVar:

ClinVar aggregate classification (germline): Uncertain significance. Review status: criteria provided, multiple submitters, no conflicts (2 of 4 stars). 3 submissions from 3 submitters: Uncertain significance (3). Last evaluated 2026-03-31.

Conditions:
Polycystic kidney disease, adult type (PKD1). Also called: Polycystic Kidney, Autosomal Dominant; POLYCYSTIC KIDNEY DISEASE, ADULT, TYPE I; Polycystic Kidney Disease 1, Autosomal Dominant; Polycystic kidney disease 1; Polycystic kidney disease 1, severe; POLYCYSTIC KIDNEY DISEASE 1 WITH OR WITHOUT POLYCYSTIC LIVER DISEASE. Identifiers: MedGen C3149841, MONDO:0008263, OMIM 173900.
PKD1-related disorder. Also called: PKD1-related condition.

gnomAD v4.1: 28 of 1,610,400 alleles (0.0017%); highest among the groups gnomAD compares: Non-Finnish European, 0.002%; no homozygotes.

Submissions (3):

GeneDx
Classification: Uncertain significance. Last evaluated: 2026-03-31. Review status: criteria provided, single submitter. Criteria: GeneDx Variant Classification Process June 2021. Collection method: clinical testing. Allele origin: germline.
Comment: Not observed at significant frequency in large population cohorts (gnomAD); In silico analysis supports that this missense variant has a deleterious effect on protein structure/function; This variant is associated with the following publications: (PMID: 37372410, 41317153, 33168999)

PreventionGenetics, part of Exact Sciences
Classification: Uncertain significance for PKD1-related condition. Last evaluated: 2025-11-05. Review status: criteria provided, single submitter. Criteria: ACMG Guidelines, 2015. Collection method: clinical testing. Allele origin: germline.
Comment: The PKD1 c.9448G>A variant is predicted to result in the amino acid substitution p.Gly3150Ser. This variant has been reported, in the compound heterozygous state with a loss of function variant in the gene, in a patient with early onset kidney disease. The authors proposed that this variant may be a hypomophic allele and follow autosomal recessive inheritance (Durkie et al. 2021. PubMed ID: 33168999). This variant is reported in 0.0018% of alleles in individuals of European (Non-Finnish) descent in gnomAD. At this time, the clinical significance of this variant is uncertain due to the absence of conclusive functional and genetic evidence.

Juno Genomics, Hangzhou Juno Genomics, Inc
Classification: Uncertain significance for Polycystic kidney disease, adult type. Review status: criteria provided, single submitter. Criteria: ACMG Guidelines, 2015. Collection method: clinical testing. Allele origin: germline. Affected: yes.
Comment: Absent from controls (or at extremely low frequency if recessive) in Genome Aggregation Database, Exome Sequencing Project, 1000 Genomes Project, or Exome Aggregation Consortium.;Patient's phenotype or family history is highly specific for a disease with a single genetic etiology.

NM_001009944.3(PKD1):c.9448G>A (p.Gly3150Ser)

Gene: PKD1 (polycystin 1, transient receptor potential channel interacting; minus strand). Cytogenetic location: 16p13.3.
Variant type: single nucleotide variant.
Coding change: c.9448G>A on transcript NM_001009944.3 (MANE Select); coding-DNA position 9448, G replaced by A.
Protein change: p.Gly3150Ser; replaces glycine 3150 with serine.
Molecular consequence: missense variant.
Genome position (GRCh38, 1-based): chr16:2,100,516, C>T on the plus strand (G>A on the coding strand, the complement: PKD1 is on the minus strand). VCF-style: chr16-2100516-C-T. GRCh37 (hg19) VCF-style: chr16-2150517-C-T.
Other names: c.9448G>A, p.Gly3150Ser (NM_000296.4); short protein forms G3150S.
Identifiers: ClinVar variation 3382878 (VCV003382878.4).